The following is an entry in ClinVar:

NM_004259.7(RECQL5):c.2444C>T (p.Ser815Leu)

Gene: RECQL5 (RecQ like helicase 5; minus strand). Cytogenetic location: 17q25.1.
Variant type: single nucleotide variant.
Coding change: c.2444C>T on transcript NM_004259.7 (MANE Select); coding-DNA position 2444, C replaced by T.
Protein change: p.Ser815Leu; replaces serine 815 with leucine.
Molecular consequence: missense variant.
Genome position (GRCh38, 1-based): chr17:75,628,979, G>A on the plus strand (C>T on the coding strand, the complement: RECQL5 is on the minus strand). VCF-style: chr17-75628979-G-A. GRCh37 (hg19) VCF-style: chr17-73625059-G-A.
Other names: short protein forms S815L.
Identifiers: ClinVar variation 714863 (VCV000714863.7), dbSNP rs34802834, ClinGen allele CA8767067.

ClinVar aggregate classification (germline): Benign. Review status: criteria provided, multiple submitters, no conflicts (2 of 4 stars). 3 submissions from 3 submitters: Benign (2). 1 of the submissions does not count toward it. Last evaluated 2019-12-31.

Conditions:
RECQL5-related disorder. Also called: RECQL5-related condition.

Allele frequency attached by ClinVar (database versions not stated): TOPMed 0.01026; ESP Exome Variant Server 0.01063; 1000 Genomes Project 0.01178; 1000 Genomes Project 30x 0.01265.
gnomAD v4.1: 2,838 of 1,564,350 alleles (0.18%); highest among the groups gnomAD compares: African/African-American, 3.3%; 45 homozygotes.

Submissions (3):

Labcorp Genetics (formerly Invitae), Labcorp
Classification: Benign. Last evaluated: 2019-12-31. Review status: criteria provided, single submitter. Criteria: Invitae Variant Classification Sherloc (09022015). Collection method: clinical testing. Allele origin: germline.

Breakthrough Genomics
Classification: Benign. Review status: criteria provided, single submitter. Criteria: ACMG Guidelines, 2015. Collection method: not provided. Allele origin: germline. Inheritance: Unknown mechanism. Affected: yes.

PreventionGenetics, part of Exact Sciences
Classification: Benign for RECQL5-related condition. Last evaluated: 2020-01-02. Review status: no assertion criteria provided. Collection method: clinical testing. Allele origin: germline. Not counted in ClinVar's aggregate classification.
Comment: This variant is classified as benign based on ACMG/AMP sequence variant interpretation guidelines (Richards et al. 2015 PMID: 25741868, with internal and published modifications).